The following is an entry in ClinVar:

ClinVar aggregate classification (germline): Uncertain significance. Review status: criteria provided, multiple submitters, no conflicts (2 of 4 stars). 2 submissions from 2 submitters: Uncertain significance (2). Last evaluated 2024-07-31.

Conditions:
Inborn genetic diseases. Identifiers: MedGen C0950123, MeSH D030342.

gnomAD v4.1: 8 of 1,611,794 alleles (0.0005%); highest among the groups gnomAD compares: Non-Finnish European, 0.00059%; no homozygotes.

Submissions (2):

Ambry Genetics
Classification: Uncertain significance for Inborn genetic diseases. Last evaluated: 2024-07-31. Review status: criteria provided, single submitter. Criteria: Ambry Variant Classification Scheme 2023. Collection method: clinical testing. Allele origin: germline.

Labcorp Genetics (formerly Invitae), Labcorp
Classification: Uncertain significance. Last evaluated: 2023-08-11. Review status: criteria provided, single submitter. Criteria: Invitae Variant Classification Sherloc (09022015). Collection method: clinical testing. Allele origin: germline.
Comment: In summary, the available evidence is currently insufficient to determine the role of this variant in disease. Therefore, it has been classified as a Variant of Uncertain Significance. An algorithm developed to predict the effect of missense changes on protein structure and function (PolyPhen-2) suggests that this variant is likely to be tolerated. ClinVar contains an entry for this variant (Variation ID: 1912595). This variant has not been reported in the literature in individuals affected with MPDZ-related conditions. This variant is present in population databases (rs771243192, gnomAD 0.002%). This sequence change replaces valine, which is neutral and non-polar, with isoleucine, which is neutral and non-polar, at codon 1916 of the MPDZ protein (p.Val1916Ile).

NM_001378778.1(MPDZ):c.5833G>A (p.Val1945Ile)

Gene: MPDZ (multiple PDZ domain crumbs cell polarity complex component; minus strand). Cytogenetic location: 9p23.
Variant type: single nucleotide variant.
Coding change: c.5833G>A on transcript NM_001378778.1 (MANE Select); coding-DNA position 5833, G replaced by A.
Protein change: p.Val1945Ile; replaces valine 1945 with isoleucine.
Molecular consequence: missense variant.
Genome position (GRCh38, 1-based): chr9:13,110,061, C>T on the plus strand (G>A on the coding strand, the complement: MPDZ is on the minus strand). VCF-style: chr9-13110061-C-T. GRCh37 (hg19) VCF-style: chr9-13110060-C-T.
Other names: c.5734G>A, p.Val1912Ile (NM_001261406.2, NM_001375416.1, NM_001375417.1 and 1 more transcripts); c.5647G>A, p.Val1883Ile (NM_001261407.2, NM_001375419.1); c.5833G>A, p.Val1945Ile (NM_001330637.2); c.5932G>A, p.Val1978Ile (NM_001375413.1); c.5623G>A, p.Val1875Ile (NM_001375420.1, NM_001375421.1, NM_001375422.1 and 2 more transcripts); c.5536G>A, p.Val1846Ile (NM_001375425.1, NM_001375426.1); c.5425G>A, p.Val1809Ile (NM_001375427.1); c.5746G>A, p.Val1916Ile (NM_003829.5); and 1 more; short protein forms V1916I, V1945I, V1912I, V1809I, V1846I, V1875I, V1883I, V1978I.
Identifiers: ClinVar variation 1912595 (VCV001912595.6), dbSNP rs771243192, ClinGen allele CA4986067.